The following is an entry in ClinVar:

ClinVar aggregate classification (germline): Pathogenic/Likely pathogenic. Review status: criteria provided, multiple submitters, no conflicts (2 of 4 stars). 2 submissions from 2 submitters: Pathogenic (1); Likely pathogenic (1). Last evaluated 2026-01-09.

Conditions:
Biotin-responsive basal ganglia disease (BTBGD). Also called: Thiamine metabolism dysfunction syndrome 2 (biotin- or thiamine-responsive encephalopathy type 2); THIAMINE METABOLISM DYSFUNCTION SYNDROME 2 (BIOTIN- AND THIAMINE-RESPONSIVE TYPE); Thiamine metabolism dysfunction syndrome type 2; thiamine-responsive encephalopathy; Thiamine Transporter-2 Deficiency. Identifiers: Orphanet 199348, Orphanet 65284, MedGen C1843807, MONDO:0011841, OMIM 607483.

Allele frequency attached by ClinVar (database versions not stated): gnomAD 0.00001; TOPMed 0.00001.
gnomAD v4.1: 6 of 1,613,692 alleles (0.00037%); highest among the groups gnomAD compares: Non-Finnish European, 0.00051%; no homozygotes.

Submissions (2):

Labcorp Genetics (formerly Invitae), Labcorp
Classification: Pathogenic for Biotin-responsive basal ganglia disease. Last evaluated: 2026-01-09. Review status: criteria provided, single submitter. Criteria: Invitae Variant Classification Sherloc (09022015). Collection method: clinical testing. Allele origin: germline.
Comment: This sequence change affects a donor splice site in intron 4 of the SLC19A3 gene. It is expected to disrupt RNA splicing. Variants that disrupt the donor or acceptor splice site typically lead to a loss of protein function (PMID: 16199547), and loss-of-function variants in SLC19A3 are known to be pathogenic (PMID: 23423671, 23482991). This variant is not present in population databases (gnomAD no frequency). Disruption of this splice site has been observed in individual(s) with clinical features of biotin-responsive basal ganglia disease (PMID: 34276785). In at least one individual the data is consistent with being in trans (on the opposite chromosome) from a pathogenic variant. ClinVar contains an entry for this variant (Variation ID: 987067). Algorithms developed to predict the effect of sequence changes on RNA splicing suggest that this variant may disrupt the consensus splice site. For these reasons, this variant has been classified as Pathogenic.

Institute of Medical Genetics and Applied Genomics, University Hospital Tübingen
Classification: Likely pathogenic. Last evaluated: 2020-10-23. Review status: criteria provided, single submitter. Criteria: ACMG Guidelines, 2015. Collection method: clinical testing. Allele origin: germline. Inheritance: Unknown mechanism. Affected: yes.

Literature cited by the submitters: PubMed 16199547 (cited by Labcorp Genetics (formerly Invitae), Labcorp); PubMed 23423671 (cited by Labcorp Genetics (formerly Invitae), Labcorp); PubMed 23482991 (cited by Labcorp Genetics (formerly Invitae), Labcorp); PubMed 34276785 (cited by Labcorp Genetics (formerly Invitae), Labcorp).

NM_025243.4(SLC19A3):c.1172+1G>A

Gene: SLC19A3 (solute carrier family 19 member 3; minus strand). Cytogenetic location: 2q36.3.
Variant type: single nucleotide variant.
Coding change: c.1172+1G>A on transcript NM_025243.4 (MANE Select); the canonical splice donor site of the intron after coding-DNA position 1172, G replaced by A.
Molecular consequence: splice donor variant.
Genome position (GRCh38, 1-based): chr2:227,695,888, C>T on the plus strand (G>A on the coding strand, the complement: SLC19A3 is on the minus strand). VCF-style: chr2-227695888-C-T. GRCh37 (hg19) VCF-style: chr2-228560604-C-T.
Other names: c.1160+1G>A (NM_001371413.1, NM_001371414.1); c.1172+1G>A (NM_001371411.1, NM_001371412.1).
Identifiers: ClinVar variation 987067 (VCV000987067.5), dbSNP rs1219632810, ClinGen allele CA350875634.